The following is an entry in ClinVar:

NM_020297.4(ABCC9):c.817-7del

Gene: ABCC9 (ATP binding cassette subfamily C member 9; minus strand). Cytogenetic location: 12p12.1.
Variant type: Deletion.
Coding change: c.817-7del on transcript NM_020297.4 (MANE Select); 7 bases into the intron before coding-DNA position 817, one base deleted (T; older notation c.817-7delT).
Molecular consequence: intron variant.
Genome position (GRCh38, 1-based): chr12:21,913,073, A deleted on the plus strand (T on the coding strand, the reverse complement: ABCC9 is on the minus strand); the first of 10 consecutive A bases (chr12:21,913,073-21,913,082); deleting any one gives the same sequence. VCF-style (leftmost placement, unchanged base first): chr12-21913072-GA-G. GRCh37 (hg19) VCF-style: chr12-22066006-GA-G.
Other names: p.?; c.-48-7del (NM_001377274.1); c.817-7del (NM_005691.4, NM_001377273.1); c.817-7delT (NM_005691.3).
Identifiers: ClinVar variation 45422 (VCV000045422.74), dbSNP rs193922684, ClinGen allele CA215082.

ClinVar aggregate classification (germline): Benign/Likely benign. Review status: criteria provided, multiple submitters, no conflicts (2 of 4 stars). 13 submissions from 13 submitters: Benign (5); Likely benign (3). 5 of the submissions do not count toward it. Last evaluated 2026-02-04.

Conditions:
Cardiomyopathy (CMYO). Also called: Cardiomyopathies. Identifiers: Orphanet 167848, MedGen C0878544, MONDO:0004994, HP:0001638. Inheritance: Various modes of inheritance.
Dilated cardiomyopathy 1O (CMD1O). Also called: CARDIOMYOPATHY, DILATED, WITH VENTRICULAR TACHYCARDIA. Identifiers: Orphanet 154, MedGen C1837839, MONDO:0012062, OMIM 608569.

Submissions (13):

Labcorp Genetics (formerly Invitae), Labcorp
Classification: Benign for Dilated cardiomyopathy 1O. Last evaluated: 2026-02-04. Review status: criteria provided, single submitter. Criteria: Invitae Variant Classification Sherloc (09022015). Collection method: clinical testing. Allele origin: germline.

ARUP Laboratories, Molecular Genetics and Genomics, ARUP Laboratories
Classification: Benign. Last evaluated: 2025-01-16. Review status: criteria provided, single submitter. Criteria: ARUP Molecular Germline Variant Investigation Process 2024. Collection method: clinical testing. Allele origin: germline.

Blueprint Genetics
Classification: Likely benign. Last evaluated: 2024-11-27. Review status: criteria provided, single submitter. Criteria: ACMG Guidelines, 2015. Collection method: clinical testing. Allele origin: germline.

Mayo Clinic Laboratories, Mayo Clinic
Classification: Benign. Last evaluated: 2023-01-26. Review status: criteria provided, single submitter. Criteria: ACMG Guidelines, 2015. Collection method: clinical testing. Allele origin: germline. Observed: 21 variant alleles.
Comment: BS1, BS2, BP4, BP7

GeneDx
Classification: Likely benign. Last evaluated: 2019-09-09. Review status: criteria provided, single submitter. Criteria: GeneDx Variant Classification Process June 2021. Collection method: clinical testing. Allele origin: germline. Affected: yes.

Women's Health and Genetics/Laboratory Corporation of America, LabCorp
Classification: Benign. Last evaluated: 2019-08-13. Review status: criteria provided, single submitter. Criteria: LabCorp Variant Classification Summary - May 2015. Collection method: clinical testing. Allele origin: germline.
Comment: Variant summary: ABCC9 c.817-7delT alters a non-conserved nucleotide located close to a canonical splice site and therefore could affect mRNA splicing, leading to a significantly altered protein sequence. 5/5 computational tools predict no significant impact on normal splicing. However, these predictions have yet to be confirmed by functional studies. The variant allele was found at a frequency of 0.017 in 132398 control chromosomes in the gnomAD database, including 9 homozygotes. The observed variant frequency is approximately 660 fold of the estimated maximal expected allele frequency for a pathogenic variant in ABCC9 causing Cardiomyopathy phenotype (2.5e-05), strongly suggesting that the variant is benign. To our knowledge, no occurrence of c.817-7delT in individuals affected with Cardiomyopathy and no experimental evidence demonstrating its impact on protein function have been reported. Two ClinVar submissions (evaluation after 2014) cite the variant as benign. Based on the evidence outlined above, the variant was classified as benign.

CHEO Genetics Diagnostic Laboratory, Children's Hospital of Eastern Ontario
Classification: Benign for Cardiomyopathy. Last evaluated: 2017-07-26. Review status: criteria provided, single submitter. Criteria: ACMG Guidelines, 2015. Collection method: clinical testing. Allele origin: germline. Study: Canadian Open Genetics Repository.

Laboratory for Molecular Medicine, Mass General Brigham Personalized Medicine
Classification: Likely benign. Last evaluated: 2012-04-24. Review status: criteria provided, single submitter. Criteria: LMM Criteria. Collection method: clinical testing. Allele origin: germline. Observed: 29 variant alleles.
Comment: 817-7delT in intron 5 of ABCC9:

Clinical Genetics DNA and cytogenetics Diagnostics Lab, Erasmus MC, Erasmus Medical Center
Classification: Benign. Review status: no assertion criteria provided. Collection method: clinical testing. Allele origin: germline. Affected: yes. Study: VKGL Data-share Consensus. Not counted in ClinVar's aggregate classification.

Clinical Genetics, Academic Medical Center
Classification: Benign. Review status: no assertion criteria provided. Collection method: clinical testing. Allele origin: germline. Affected: yes. Study: VKGL Data-share Consensus. Not counted in ClinVar's aggregate classification.

Diagnostic Laboratory, Department of Genetics, University Medical Center Groningen
Classification: Likely benign. Review status: no assertion criteria provided. Collection method: clinical testing. Allele origin: germline. Affected: yes. Study: VKGL Data-share Consensus. Not counted in ClinVar's aggregate classification.

Genome Diagnostics Laboratory, University Medical Center Utrecht
Classification: Benign. Review status: no assertion criteria provided. Collection method: clinical testing. Allele origin: germline. Affected: yes. Study: VKGL Data-share Consensus. Not counted in ClinVar's aggregate classification.

Laboratory of Diagnostic Genome Analysis, Leiden University Medical Center (LUMC)
Classification: Benign. Review status: no assertion criteria provided. Collection method: clinical testing. Allele origin: germline. Affected: yes. Study: VKGL Data-share Consensus. Not counted in ClinVar's aggregate classification.